The following is an entry in ClinVar:

NM_181882.3(PRX):c.3292G>A (p.Glu1098Lys)

Gene: PRX (periaxin; minus strand). Cytogenetic location: 19q13.2.
Variant type: single nucleotide variant.
Coding change: c.3292G>A on transcript NM_181882.3 (MANE Select); coding-DNA position 3292, G replaced by A.
Protein change: p.Glu1098Lys; replaces glutamic acid 1098 with lysine.
Molecular consequence: missense variant. On other transcripts: 3 prime UTR variant (1).
Genome position (GRCh38, 1-based): chr19:40,395,060, C>T on the plus strand (G>A on the coding strand, the complement: PRX is on the minus strand). VCF-style: chr19-40395060-C-T. GRCh37 (hg19) VCF-style: chr19-40900967-C-T.
Other names: c.*3497G>A (NM_020956.2); short protein forms E1098K.
Identifiers: ClinVar variation 947078 (VCV000947078.12), dbSNP rs565167885, ClinGen allele CA308417114.

ClinVar aggregate classification (germline): Uncertain significance. Review status: criteria provided, multiple submitters, no conflicts (2 of 4 stars). 2 submissions from 2 submitters: Uncertain significance (2). Last evaluated 2022-10-17.

Conditions:
Inborn genetic diseases. Identifiers: MedGen C0950123, MeSH D030342.
Charcot-Marie-Tooth disease type 4. Also called: Charcot-Marie-Tooth disease, type IV; Charcot-Marie-Tooth, Type 4. Identifiers: Orphanet 64749, MedGen C4082197, MONDO:0018995.

Allele frequency attached by ClinVar (database versions not stated): gnomAD 0.00001; gnomAD exomes 0.00001; TOPMed 0.00001; 1000 Genomes Project 30x 0.00016; 1000 Genomes Project 0.00020.
gnomAD v4.1: 18 of 1,612,734 alleles (0.0011%); highest among the groups gnomAD compares: South Asian, 0.0044%; no homozygotes.

Submissions (2):

Labcorp Genetics (formerly Invitae), Labcorp
Classification: Uncertain significance for Charcot-Marie-Tooth disease type 4. Last evaluated: 2022-10-17. Review status: criteria provided, single submitter. Criteria: Invitae Variant Classification Sherloc (09022015). Collection method: clinical testing. Allele origin: germline.
Comment: In summary, the available evidence is currently insufficient to determine the role of this variant in disease. Therefore, it has been classified as a Variant of Uncertain Significance. Advanced modeling of protein sequence and biophysical properties (such as structural, functional, and spatial information, amino acid conservation, physicochemical variation, residue mobility, and thermodynamic stability) performed at Invitae indicates that this missense variant is not expected to disrupt PRX protein function. ClinVar contains an entry for this variant (Variation ID: 947078). This variant has not been reported in the literature in individuals affected with PRX-related conditions. This variant is present in population databases (rs565167885, gnomAD 0.003%). This sequence change replaces glutamic acid, which is acidic and polar, with lysine, which is basic and polar, at codon 1098 of the PRX protein (p.Glu1098Lys).

Ambry Genetics
Classification: Uncertain significance for Inborn genetic diseases. Last evaluated: 2021-12-16. Review status: criteria provided, single submitter. Criteria: Ambry Variant Classification Scheme 2023. Collection method: clinical testing. Allele origin: germline.
Comment: The p.E1098K variant (also known as c.3292G>A), located in coding exon 4 of the PRX gene, results from a G to A substitution at nucleotide position 3292. The glutamic acid at codon 1098 is replaced by lysine, an amino acid with similar properties. This amino acid position is conserved. In addition, this alteration is predicted to be tolerated by in silico analysis. Since supporting evidence is limited at this time, the clinical significance of this alteration remains unclear.